The following is an entry in ClinVar:

NM_004360.5(CDH1):c.1008+5_1008+8dup

Gene: CDH1 (cadherin 1; plus strand). Cytogenetic location: 16q22.1.
Variant type: Duplication.
Coding change: c.1008+5_1008+8dup on transcript NM_004360.5 (MANE Select); bases 5 to 8 of the intron after coding-DNA position 1008, 4 bases duplicated (GGGG; older notation c.1008+5_1008+8dupGGGG).
Molecular consequence: intron variant.
Genome position (GRCh38, 1-based): chr16:68,811,864-68,811,867, GGGG duplicated. VCF-style (leftmost placement, unchanged base first): chr16-68811863-A-AGGGG. GRCh37 (hg19) VCF-style: chr16-68845766-A-AGGGG.
Other names: c.1008+5_1008+8dup (LRG_301t1, NM_001317184.2); c.-608+5_-608+8dup (NM_001317185.2); c.-812+5_-812+8dup (NM_001317186.2).
Identifiers: ClinVar variation 422093 (VCV000422093.11), dbSNP rs1555515665, ClinGen allele CA16620244.

ClinVar aggregate classification (germline): Likely benign. Review status: criteria provided, multiple submitters, no conflicts (2 of 4 stars). 3 submissions from 3 submitters: Likely benign (3). Last evaluated 2025-06-27.

Conditions:
Hereditary diffuse gastric adenocarcinoma (HDGC). Also called: DIFFUSE GASTRIC AND LOBULAR BREAST CANCER SYNDROME. Identifiers: Orphanet 26106, MedGen C1708349, MONDO:0007648, OMIM 137215.

Submissions (3):

Labcorp Genetics (formerly Invitae), Labcorp
Classification: Likely benign for Hereditary diffuse gastric adenocarcinoma. Last evaluated: 2025-06-27. Review status: criteria provided, single submitter. Criteria: Invitae Variant Classification Sherloc (09022015). Collection method: clinical testing. Allele origin: germline.

Myriad Genetics, Inc.
Classification: Likely benign for Hereditary diffuse gastric adenocarcinoma. Last evaluated: 2024-09-17. Review status: criteria provided, single submitter. Criteria: Myriad Autosomal Dominant, Autosomal Recessive and X-Linked Classification Criteria (2023). Collection method: clinical testing. Allele origin: unknown.
Comment: This variant is considered likely benign. This variant is intronic and is not expected to impact mRNA splicing.

GeneDx
Classification: Likely benign. Last evaluated: 2016-08-23. Review status: criteria provided, single submitter. Criteria: GeneDx Variant Classification (06012015). Collection method: clinical testing. Allele origin: germline. Affected: yes.
Comment: This variant is considered likely benign or benign based on one or more of the following criteria: it is a conservative change, it occurs at a poorly conserved position in the protein, it is predicted to be benign by multiple in silico algorithms, and/or has population frequency not consistent with disease.